The following is an entry in ClinVar:

ClinVar aggregate classification (germline): Uncertain significance. Review status: criteria provided, multiple submitters, no conflicts (2 of 4 stars). 2 submissions from 2 submitters: Uncertain significance (2). Last evaluated 2025-11-22.

Conditions:
Cardiovascular phenotype. Identifiers: MedGen CN230736.
Walker-Warburg congenital muscular dystrophy. Also called: Muscular dystrophy-dystroglycanopathy, type A; Walker-Warburg syndrome. Identifiers: Orphanet 899, MedGen C0265221, MONDO:0000171.

Allele frequency attached by ClinVar (database versions not stated): gnomAD exomes below 0.00001; TOPMed below 0.00001.
gnomAD v4.1: 6 of 1,612,764 alleles (0.00037%); highest among the groups gnomAD compares: African/African-American, 0.0053%; no homozygotes.

Submissions (2):

Ambry Genetics
Classification: Uncertain significance for Cardiovascular phenotype. Last evaluated: 2025-11-22. Review status: criteria provided, single submitter. Criteria: Ambry Variant Classification Scheme 2023. Collection method: clinical testing. Allele origin: germline.
Comment: The p.V363G variant (also known as c.1088T>G), located in coding exon 8 of the FKTN gene, results from a T to G substitution at nucleotide position 1088. The valine at codon 363 is replaced by glycine, an amino acid with dissimilar properties. This amino acid position is conserved. In addition, this alteration is predicted to be deleterious by in silico analysis. Since supporting evidence is limited at this time, the clinical significance of this alteration remains unclear.

Labcorp Genetics (formerly Invitae), Labcorp
Classification: Uncertain significance for Walker-Warburg congenital muscular dystrophy. Last evaluated: 2022-04-12. Review status: criteria provided, single submitter. Criteria: Invitae Variant Classification Sherloc (09022015). Collection method: clinical testing. Allele origin: germline.
Comment: This sequence change replaces valine, which is neutral and non-polar, with glycine, which is neutral and non-polar, at codon 363 of the FKTN protein (p.Val363Gly). This variant is present in population databases (no rsID available, gnomAD 0.007%). This variant has not been reported in the literature in individuals affected with FKTN-related conditions. ClinVar contains an entry for this variant (Variation ID: 843721). Algorithms developed to predict the effect of missense changes on protein structure and function (SIFT, PolyPhen-2, Align-GVGD) all suggest that this variant is likely to be disruptive. In summary, the available evidence is currently insufficient to determine the role of this variant in disease. Therefore, it has been classified as a Variant of Uncertain Significance.

NM_001079802.2(FKTN):c.1088T>G (p.Val363Gly)

Gene: FKTN (fukutin; plus strand). Cytogenetic location: 9q31.2.
Variant type: single nucleotide variant.
Coding change: c.1088T>G on transcript NM_001079802.2 (MANE Select); coding-DNA position 1088, T replaced by G.
Protein change: p.Val363Gly; replaces valine 363 with glycine.
Molecular consequence: missense variant. On other transcripts: non-coding transcript variant (2).
Genome position (GRCh38, 1-based): chr9:105,619,977, T>G. VCF-style: chr9-105619977-T-G. GRCh37 (hg19) VCF-style: chr9-108382258-T-G.
Other names: c.1088T>G, p.Val363Gly (NM_001198963.2, NM_001351496.2, NM_001351498.2 and 1 more transcripts); c.1019T>G, p.Val340Gly (NM_001351497.2); c.692T>G, p.Val231Gly (NM_001351499.2, NM_001351500.2, NM_001351501.2 and 1 more transcripts); short protein forms V231G, V340G, V363G.
Identifiers: ClinVar variation 843721 (VCV000843721.9), dbSNP rs1362238936, ClinGen allele CA374377792.
Genomic context (GRCh38, chr9:105,619,977, plus strand): 5'-TTTCATCTTCCCCATAGGTAGAAGACAGCTTGGAACTATCCTTCCAGGGAAAAGATGATG[T>G]AAAACTTGATGTTTTTTTCTTCTATGAAGAAACTGATCACATGTGGAATGGAGGCACTCA-3'
Protein context (NP_001073270.1, residues 353-373): LELSFQGKDD[Val363Gly]KLDVFFFYEE